The following is an entry in ClinVar:

ClinVar aggregate classification (germline): Uncertain significance (1 of 4 stars; one submission).

Conditions:
Muscular dystrophy-dystroglycanopathy (congenital with impaired intellectual development), type B, 2. Also called: Muscular dystrophy-dystroglycanopathy (congenital with intellectual disability), type B2; MUSCULAR DYSTROPHY, CONGENITAL, POMT2-RELATED. Identifiers: MedGen C3150416, MONDO:0013160, OMIM 613156.
Autosomal recessive limb-girdle muscular dystrophy type 2N. Also called: MUSCULAR DYSTROPHY-DYSTROGLYCANOPATHY, LIMB-GIRDLE, POMT2-RELATED; Muscular dystrophy-dystroglycanopathy (limb-girdle), type C, 2. Identifiers: Orphanet 206559, MedGen C3150418, MONDO:0013162, OMIM 613158.
Muscular dystrophy-dystroglycanopathy (congenital with brain and eye anomalies), type A2. Also called: MUSCULAR DYSTROPHY-DYSTROGLYCANOPATHY (CONGENITAL WITH BRAIN AND EYE ANOMALIES), TYPE A, 2; WALKER-WARBURG SYNDROME OR MUSCLE-EYE-BRAIN DISEASE, POMT2-RELATED. Identifiers: Orphanet 588, Orphanet 899, MedGen C3150411, MONDO:0013154, OMIM 613150.

Allele frequency attached by ClinVar (database versions not stated): gnomAD exomes below 0.00001.
gnomAD v4.1: 1 of 1,613,118 alleles (0.000062%); highest among the groups gnomAD compares: South Asian, 0.0011%; no homozygotes.

Submission:

Labcorp Genetics (formerly Invitae), Labcorp
Classification: Uncertain significance for Muscular dystrophy-dystroglycanopathy (congenital with impaired intellectual development), type B, 2; Muscular dystrophy-dystroglycanopathy (congenital with brain and eye anomalies), type A2; Autosomal recessive limb-girdle muscular dystrophy type 2N. Last evaluated: 2021-10-03. Review status: criteria provided, single submitter. Criteria: Invitae Variant Classification Sherloc (09022015). Collection method: clinical testing. Allele origin: germline.
Comment: In summary, the available evidence is currently insufficient to determine the role of this variant in disease. Therefore, it has been classified as a Variant of Uncertain Significance. Algorithms developed to predict the effect of missense changes on protein structure and function (SIFT, PolyPhen-2, Align-GVGD) all suggest that this variant is likely to be tolerated. This variant has not been reported in the literature in individuals affected with POMT2-related conditions. This variant is not present in population databases (ExAC no frequency). This sequence change replaces isoleucine with valine at codon 541 of the POMT2 protein (p.Ile541Val). The isoleucine residue is highly conserved and there is a small physicochemical difference between isoleucine and valine.

NM_013382.7(POMT2):c.1621A>G (p.Ile541Val)

Gene: POMT2 (protein O-mannosyltransferase 2; minus strand). Cytogenetic location: 14q24.3.
Variant type: single nucleotide variant.
Coding change: c.1621A>G on transcript NM_013382.7 (MANE Select); coding-DNA position 1621, A replaced by G.
Protein change: p.Ile541Val; replaces isoleucine 541 with valine.
Molecular consequence: missense variant.
Genome position (GRCh38, 1-based): chr14:77,283,829, T>C on the plus strand (A>G on the coding strand, the complement: POMT2 is on the minus strand). VCF-style: chr14-77283829-T-C. GRCh37 (hg19) VCF-style: chr14-77750172-T-C.
Other names: short protein forms I541V.
Identifiers: ClinVar variation 1522424 (VCV001522424.4), dbSNP rs2140179545, ClinGen allele CA390516276.